The following is an entry in ClinVar:

NM_201384.3(PLEC):c.11493G>C (p.Lys3831Asn)

Gene: PLEC (plectin; minus strand). Cytogenetic location: 8q24.3.
Variant type: single nucleotide variant.
Coding change: c.11493G>C on transcript NM_201384.3 (MANE Select); coding-DNA position 11493, G replaced by C.
Protein change: p.Lys3831Asn; replaces lysine 3831 with asparagine.
Molecular consequence: missense variant.
Genome position (GRCh38, 1-based): chr8:143,918,328, C>G on the plus strand (G>C on the coding strand, the complement: PLEC is on the minus strand). VCF-style: chr8-143918328-C-G. GRCh37 (hg19) VCF-style: chr8-144992496-C-G.
Other names: c.11574G>C, p.Lys3858Asn (NM_000445.5); c.11451G>C, p.Lys3817Asn (NM_201378.4); c.11427G>C, p.Lys3809Asn (NM_201379.3); c.11904G>C, p.Lys3968Asn (NM_201380.4); c.11397G>C, p.Lys3799Asn (NM_201381.3); c.11493G>C, p.Lys3831Asn (NM_201382.4); c.11505G>C, p.Lys3835Asn (NM_201383.3); c.11574G>C (NM_000445.3); short protein forms K3799N, K3809N, K3817N, K3831N, K3835N, K3858N, K3968N.
Identifiers: ClinVar variation 1025071 (VCV001025071.6), dbSNP rs782112014, ClinGen allele CA4924339.
Genomic context (GRCh38, chr8:143,918,328, plus strand): 5'-GGTGGACGGGTCCACGTAGCTGCGCACCTCGCTGGGCTCTGACAGCTGGTCGTGCGTGTC[C>G]TTGTTGAGGTAGCCACGCTGGTAAGCCACCTCCAGGGGAAGGTGGAAGCCCAGGCGGGGG-3'
Protein context (NP_958786.1, residues 3821-3841): EVAYQRGYLN[Lys3831Asn]DTHDQLSEPS

ClinVar aggregate classification (germline): Uncertain significance. Review status: criteria provided, multiple submitters, no conflicts (2 of 4 stars). 2 submissions from 2 submitters: Uncertain significance (2). Last evaluated 2025-02-25.

Conditions:
Epidermolysis bullosa simplex with nail dystrophy (EBS5D). Identifiers: MedGen C4225309, MONDO:0014661, OMIM 616487.
Epidermolysis bullosa simplex 5B, with muscular dystrophy (EBS5B). Also called: EPIDERMOLYSIS BULLOSA SIMPLEX AND LIMB-GIRDLE MUSCULAR DYSTROPHY; Epidermolysis bullosa simplex with muscular dystrophy. Identifiers: Orphanet 257, MedGen C2931072, MONDO:0009181, OMIM 226670.
Epidermolysis bullosa simplex, Ogna type (EBS5A). Also called: Pidermolysis bullosa simplex 5A, Ogna type; EPIDERMOLYSIS BULLOSA SIMPLEX 5A, OGNA TYPE. Identifiers: Orphanet 79401, MedGen C0432317, MONDO:0007555, OMIM 131950.
Epidermolysis bullosa simplex 5C, with pyloric atresia (EBS5C). Also called: PLEC-Related Epidermolysis Bullosa with Pyloric Atresia; Epidermolysis bullosa simplex with pyloric atresia; PLEC1-Related Epidermolysis Bullosa with Pyloric Atresia. Identifiers: Orphanet 158684, MedGen C2677349, MONDO:0012807, OMIM 612138.
Autosomal recessive limb-girdle muscular dystrophy type 2Q (LGMDR17). Also called: MUSCULAR DYSTROPHY, LIMB-GIRDLE, AUTOSOMAL RECESSIVE 17. Identifiers: Orphanet 254361, MedGen C3150989, MONDO:0013390, OMIM 613723.
Inborn genetic diseases. Identifiers: MedGen C0950123, MeSH D030342.

Allele frequency attached by ClinVar (database versions not stated): gnomAD exomes 0.00001; ExAC 0.00002; gnomAD 0.00002; TOPMed 0.00003.
gnomAD v4.1: 31 of 1,587,262 alleles (0.002%); highest among the groups gnomAD compares: Non-Finnish European, 0.0024%; no homozygotes.

Submissions (2):

Labcorp Genetics (formerly Invitae), Labcorp
Classification: Uncertain significance for Autosomal recessive limb-girdle muscular dystrophy type 2Q; Epidermolysis bullosa simplex, Ogna type; Epidermolysis bullosa simplex with nail dystrophy; Epidermolysis bullosa simplex 5C, with pyloric atresia; Epidermolysis bullosa simplex 5B, with muscular dystrophy. Last evaluated: 2025-02-25. Review status: criteria provided, single submitter. Criteria: Invitae Variant Classification Sherloc (09022015). Collection method: clinical testing. Allele origin: germline.
Comment: This sequence change replaces lysine, which is basic and polar, with asparagine, which is neutral and polar, at codon 3858 of the PLEC protein (p.Lys3858Asn). This variant is present in population databases (rs782112014, gnomAD 0.003%). This variant has not been reported in the literature in individuals affected with PLEC-related conditions. ClinVar contains an entry for this variant (Variation ID: 1025071). An algorithm developed to predict the effect of missense changes on protein structure and function (PolyPhen-2) suggests that this variant is likely to be disruptive. In summary, the available evidence is currently insufficient to determine the role of this variant in disease. Therefore, it has been classified as a Variant of Uncertain Significance.

Ambry Genetics
Classification: Uncertain significance for Inborn genetic diseases. Last evaluated: 2023-11-20. Review status: criteria provided, single submitter. Criteria: Ambry Variant Classification Scheme 2023. Collection method: clinical testing. Allele origin: germline.